The following is an entry in ClinVar:

ClinVar aggregate classification (germline): Uncertain significance (1 of 4 stars; one submission).

Conditions:
Imerslund-Grasbeck syndrome type 2. Also called: Megaloblastic anemia 1, Norwegian type; MEGALOBLASTIC ANEMIA, NORWEGIAN TYPE; Imerslund-Gräsbeck syndrome 2. Identifiers: MedGen C4016948, MONDO:0100157, OMIM 618882.

gnomAD v4.1: 27 of 1,603,278 alleles (0.0017%); highest among the groups gnomAD compares: East Asian, 0.029%; no homozygotes.

Submission:

3billion
Classification: Uncertain significance for Imerslund-Grasbeck syndrome type 2. Last evaluated: 2025-05-16. Review status: criteria provided, single submitter. Criteria: ACMG Guidelines, 2015. Collection method: clinical testing. Allele origin: germline. Affected: yes.
Comment: The variant is not observed in the gnomAD v4.1.0 dataset. Predicted Consequence/Location: Frameshift: predicted to result in a loss or disruption of normal protein function through nonsense-mediated decay (NMD) or protein truncation. Multiple pathogenic variants are reported downstream of the variant. Therefore, this variant is classified as Likely pathogenic according to the recommendation of ACMG/AMP guideline.

NM_030943.4(AMN):c.215C>T (p.Pro72Leu)

Genes: AMN (amnion associated transmembrane protein; plus strand), LOC130056553 (ATAC-STARR-seq lymphoblastoid silent region 6135; plus strand). Cytogenetic location: 14q32.32.
Variant type: single nucleotide variant.
Coding change: c.215C>T on transcript NM_030943.4 (MANE Select); coding-DNA position 215, C replaced by T.
Protein change: p.Pro72Leu; replaces proline 72 with leucine.
Molecular consequence: missense variant.
Genome position (GRCh38, 1-based): chr14:102,928,433, C>T. VCF-style: chr14-102928433-C-T. GRCh37 (hg19) VCF-style: chr14-103394770-C-T.
Other names: c.53C>T, p.Pro18Leu (NM_001425246.1); short protein forms P18L, P72L.
Identifiers: ClinVar variation 4854187 (VCV004854187.1).